The following is an entry in ClinVar:

ClinVar aggregate classification (germline): Uncertain significance (1 of 4 stars; one submission).

Submission:

Labcorp Genetics (formerly Invitae), Labcorp
Classification: Uncertain significance. Last evaluated: 2022-02-27. Review status: criteria provided, single submitter. Criteria: Invitae Variant Classification Sherloc (09022015). Collection method: clinical testing. Allele origin: germline.
Comment: This variant has not been reported in the literature in individuals affected with IMPG2-related conditions. This sequence change replaces cysteine, which is neutral and slightly polar, with serine, which is neutral and polar, at codon 1077 of the IMPG2 protein (p.Cys1077Ser). This variant is not present in population databases (gnomAD no frequency). Algorithms developed to predict the effect of missense changes on protein structure and function (SIFT, PolyPhen-2, Align-GVGD) all suggest that this variant is likely to be disruptive. In summary, the available evidence is currently insufficient to determine the role of this variant in disease. Therefore, it has been classified as a Variant of Uncertain Significance.

NM_016247.4(IMPG2):c.3229T>A (p.Cys1077Ser)

Gene: IMPG2 (interphotoreceptor matrix proteoglycan 2; minus strand). Cytogenetic location: 3q12.3.
Variant type: single nucleotide variant.
Coding change: c.3229T>A on transcript NM_016247.4 (MANE Select); coding-DNA position 3229, T replaced by A.
Protein change: p.Cys1077Ser; replaces cysteine 1077 with serine.
Molecular consequence: missense variant.
Genome position (GRCh38, 1-based): chr3:101,232,785, A>T on the plus strand (T>A on the coding strand, the complement: IMPG2 is on the minus strand). VCF-style: chr3-101232785-A-T. GRCh37 (hg19) VCF-style: chr3-100951629-A-T.
Other names: short protein forms C1077S.
Identifiers: ClinVar variation 2104120 (VCV002104120.4), dbSNP rs2508925065, ClinGen allele CA353849572.